The following is an entry in ClinVar:

ClinVar aggregate classification (germline): Uncertain significance (1 of 4 stars; one submission).

Submission:

Labcorp Genetics (formerly Invitae), Labcorp
Classification: Uncertain significance. Last evaluated: 2024-10-26. Review status: criteria provided, single submitter. Criteria: Invitae Variant Classification Sherloc (09022015). Collection method: clinical testing. Allele origin: germline.
Comment: This sequence change replaces threonine, which is neutral and polar, with lysine, which is basic and polar, at codon 53 of the LRIT3 protein (p.Thr53Lys). This variant is not present in population databases (gnomAD no frequency). This variant has not been reported in the literature in individuals affected with LRIT3-related conditions. ClinVar contains an entry for this variant (Variation ID: 1504730). An algorithm developed to predict the effect of missense changes on protein structure and function (PolyPhen-2) suggests that this variant is likely to be tolerated. In summary, the available evidence is currently insufficient to determine the role of this variant in disease. Therefore, it has been classified as a Variant of Uncertain Significance.

NM_198506.5(LRIT3):c.158C>A (p.Thr53Lys)

Gene: LRIT3 (leucine rich repeat, Ig-like and transmembrane domains 3; plus strand). Cytogenetic location: 4q25.
Variant type: single nucleotide variant.
Coding change: c.158C>A on transcript NM_198506.5 (MANE Select); coding-DNA position 158, C replaced by A.
Protein change: p.Thr53Lys; replaces threonine 53 with lysine.
Molecular consequence: missense variant.
Genome position (GRCh38, 1-based): chr4:109,851,545, C>A. VCF-style: chr4-109851545-C-A. GRCh37 (hg19) VCF-style: chr4-110772701-C-A.
Other names: short protein forms T53K.
Identifiers: ClinVar variation 1504730 (VCV001504730.6), dbSNP rs181200721, ClinGen allele CA357870974.